The following is an entry in ClinVar:

ClinVar aggregate classification (germline): Uncertain significance (1 of 4 stars; one submission).

Conditions:
Autosomal recessive limb-girdle muscular dystrophy type 2F (LGMDR6). Also called: Muscular dystrophy limb-girdle with delta-sarcoglyan deficiency; MUSCULAR DYSTROPHY, LIMB-GIRDLE, AUTOSOMAL RECESSIVE 6. Identifiers: Orphanet 219, MedGen C1832525, MONDO:0011028, OMIM 601287. Disease mechanism: Affects gamma-sarcoglycan and also disrupts the integrity of the entire sarcoglycan complex..

Submission:

Kariminejad - Najmabadi Pathology & Genetics Center
Classification: Uncertain significance for Autosomal recessive limb-girdle muscular dystrophy type 2F. Last evaluated: 2024-08-10. Review status: criteria provided, single submitter. Criteria: ACMG Guidelines, 2015. Collection method: clinical testing. Allele origin: germline. Inheritance: Autosomal recessive inheritance. Affected: yes.
Comment: PM2, PP3

NM_000337.6(SGCD):c.180G>T (p.Met60Ile)

Gene: SGCD (sarcoglycan delta; plus strand). Cytogenetic location: 5q33.3.
Variant type: single nucleotide variant.
Coding change: c.180G>T on transcript NM_000337.6 (MANE Select); coding-DNA position 180, G replaced by T.
Protein change: p.Met60Ile; replaces methionine 60 with isoleucine.
Molecular consequence: missense variant.
Genome position (GRCh38, 1-based): chr5:156,344,665, G>T. VCF-style: chr5-156344665-G-T. GRCh37 (hg19) VCF-style: chr5-155771675-G-T.
Other names: c.177G>T, p.Met59Ile (NM_001128209.2); c.180G>T, p.Met60Ile (NM_172244.3); short protein forms M59I, M60I.
Identifiers: ClinVar variation 3897001 (VCV003897001.1).